The following is an entry in ClinVar:

NM_000321.3(RB1):c.2705C>T (p.Ala902Val)

Gene: RB1 (RB transcriptional corepressor 1; plus strand). Cytogenetic location: 13q14.2.
Variant type: single nucleotide variant.
Coding change: c.2705C>T on transcript NM_000321.3 (MANE Select); coding-DNA position 2705, C replaced by T.
Protein change: p.Ala902Val; replaces alanine 902 with valine.
Molecular consequence: missense variant.
Genome position (GRCh38, 1-based): chr13:48,477,396, C>T. VCF-style: chr13-48477396-C-T. GRCh37 (hg19) VCF-style: chr13-49051532-C-T.
Other names: c.2705C>T, p.Ala902Val (NM_001407165.1); c.155C>T, p.Ala52Val (NM_001407168.1); short protein forms A52V, A902V.
Identifiers: ClinVar variation 5027990 (VCV005027990.1).

ClinVar aggregate classification (germline): Uncertain significance (1 of 4 stars; one submission).

Conditions:
Hereditary cancer-predisposing syndrome. Also called: Neoplastic Syndromes, Hereditary; Tumor predisposition; Hereditary neoplastic syndrome; Hereditary Cancer Syndrome. Identifiers: Orphanet 140162, MedGen C0027672, MeSH D009386, MONDO:0015356.

Submission:

Ambry Genetics
Classification: Uncertain significance for Hereditary cancer-predisposing syndrome. Last evaluated: 2026-09-01. Review status: criteria provided, single submitter. Criteria: Ambry Variant Classification Scheme 2023. Collection method: clinical testing. Allele origin: germline.
Comment: The p.A902V variant (also known as c.2705C>T), located in coding exon 26 of the RB1 gene, results from a C to T substitution at nucleotide position 2705. The alanine at codon 902 is replaced by valine, an amino acid with similar properties. This amino acid position is conserved. In addition, the in silico prediction for this alteration is inconclusive. Based on the available evidence, the clinical significance of this variant remains unclear.